The following is an entry in ClinVar:

NM_021927.3(GUF1):c.1042C>T (p.Pro348Ser)

Gene: GUF1 (GTP binding elongation factor GUF1; plus strand). Cytogenetic location: 4p12.
Variant type: single nucleotide variant.
Coding change: c.1042C>T on transcript NM_021927.3 (MANE Select); coding-DNA position 1042, C replaced by T.
Protein change: p.Pro348Ser; replaces proline 348 with serine.
Molecular consequence: missense variant.
Genome position (GRCh38, 1-based): chr4:44,688,110, C>T. VCF-style: chr4-44688110-C-T. GRCh37 (hg19) VCF-style: chr4-44690127-C-T.
Other names: c.1042C>T (NM_021927.2); c.70C>T, p.Pro24Ser (NM_001345867.2, NM_001345869.2); c.1042C>T, p.Pro348Ser (NM_001345868.2); short protein forms P24S, P348S.
Identifiers: ClinVar variation 1449191 (VCV001449191.9), dbSNP rs35318223, ClinGen allele CA2905517.

ClinVar aggregate classification (germline): Uncertain significance. Review status: criteria provided, multiple submitters, no conflicts (2 of 4 stars). 2 submissions from 2 submitters: Uncertain significance (2). Last evaluated 2024-04-05.

Allele frequency attached by ClinVar (database versions not stated): gnomAD exomes 0.00001 and 0.00008; ExAC 0.00011; gnomAD 0.00014; 1000 Genomes Project 30x 0.00016; 1000 Genomes Project 0.00020; ESP Exome Variant Server 0.00023; TOPMed 0.00023.
gnomAD v4.1: 35 of 1,611,676 alleles (0.0022%); highest among the groups gnomAD compares: African/African-American, 0.031%; no homozygotes.

Submissions (2):

Labcorp Genetics (formerly Invitae), Labcorp
Classification: Uncertain significance. Last evaluated: 2024-04-05. Review status: criteria provided, single submitter. Criteria: Invitae Variant Classification Sherloc (09022015). Collection method: clinical testing. Allele origin: germline.
Comment: This sequence change replaces proline, which is neutral and non-polar, with serine, which is neutral and polar, at codon 348 of the GUF1 protein (p.Pro348Ser). This variant is present in population databases (rs35318223, gnomAD 0.05%). This variant has not been reported in the literature in individuals affected with GUF1-related conditions. ClinVar contains an entry for this variant (Variation ID: 1449191). Advanced modeling of protein sequence and biophysical properties (such as structural, functional, and spatial information, amino acid conservation, physicochemical variation, residue mobility, and thermodynamic stability) performed at Invitae indicates that this missense variant is not expected to disrupt GUF1 protein function with a negative predictive value of 80%. In summary, the available evidence is currently insufficient to determine the role of this variant in disease. Therefore, it has been classified as a Variant of Uncertain Significance.

Ambry Genetics
Classification: Uncertain significance. Last evaluated: 2022-04-12. Review status: criteria provided, single submitter. Criteria: Ambry Variant Classification Scheme 2023. Collection method: clinical testing. Allele origin: germline.